The following is an entry in ClinVar:

NM_002691.4(POLD1):c.1892+5del

Gene: POLD1 (DNA polymerase delta 1, catalytic subunit; plus strand). Cytogenetic location: 19q13.33.
Variant type: Deletion.
Coding change: c.1892+5del on transcript NM_002691.4 (MANE Select); 5 bases into the intron after coding-DNA position 1892, one base deleted (A; older notation c.1892+5delA).
Molecular consequence: intron variant.
Genome position (GRCh38, 1-based): chr19:50,408,906, A deleted. VCF-style (leftmost placement, unchanged base first): chr19-50408905-TA-T. GRCh37 (hg19) VCF-style: chr19-50912162-TA-T.
Other names: c.1892+5del (NM_001256849.1); c.1970+5del (NM_001308632.1).
Identifiers: ClinVar variation 1464267 (VCV001464267.8), dbSNP rs2122371044, ClinGen allele CA2573156700.

ClinVar aggregate classification (germline): Uncertain significance (1 of 4 stars; one submission).

Conditions:
POLD1-related polyposis and colorectal cancer syndrome (CRCS10). Also called: Colorectal cancer 10; COLORECTAL CANCER, SUSCEPTIBILITY TO, ON CHROMOSOME 19q; Colorectal cancer, susceptibility to, 10. Identifiers: Orphanet 220460, MedGen C2675481, MONDO:0012953, OMIM 612591.

Submission:

Labcorp Genetics (formerly Invitae), Labcorp
Classification: Uncertain significance for POLD1-related polyposis and colorectal cancer syndrome. Last evaluated: 2020-10-29. Review status: criteria provided, single submitter. Criteria: Invitae Variant Classification Sherloc (09022015). Collection method: clinical testing. Allele origin: germline.
Comment: In summary, the available evidence is currently insufficient to determine the role of this variant in disease. Therefore, it has been classified as a Variant of Uncertain Significance. Algorithms developed to predict the effect of sequence changes on RNA splicing suggest that this variant may create or strengthen a splice site, but this prediction has not been confirmed by published transcriptional studies. This variant has not been reported in the literature in individuals with POLD1-related conditions. This variant is not present in population databases (ExAC no frequency). This sequence change falls in intron 15 of the POLD1 gene. It does not directly change the encoded amino acid sequence of the POLD1 protein, but it affects a nucleotide within the consensus splice site of the intron.